The following is an entry in ClinVar:

NM_001378454.1(ALMS1):c.10721A>G (p.Asn3574Ser)

Gene: ALMS1 (ALMS1 centrosome and basal body associated protein; plus strand). Cytogenetic location: 2p13.1.
Variant type: single nucleotide variant.
Coding change: c.10721A>G on transcript NM_001378454.1 (MANE Select); coding-DNA position 10721, A replaced by G.
Protein change: p.Asn3574Ser; replaces asparagine 3574 with serine.
Molecular consequence: missense variant.
Genome position (GRCh38, 1-based): chr2:73,572,598, A>G. VCF-style: chr2-73572598-A-G. GRCh37 (hg19) VCF-style: chr2-73799725-A-G.
Other names: c.10724A>G, p.Asn3575Ser (NM_015120.4); short protein forms N3574S, N3575S.
Identifiers: ClinVar variation 1927523 (VCV001927523.5), dbSNP rs905714393, ClinGen allele CA50386387.

ClinVar aggregate classification (germline): Uncertain significance. Review status: criteria provided, multiple submitters, no conflicts (2 of 4 stars). 2 submissions from 2 submitters: Uncertain significance (2). Last evaluated 2025-09-02.

Conditions:
Cardiovascular phenotype. Identifiers: MedGen CN230736.
Alstrom syndrome (ALMS). Identifiers: Orphanet 64, MedGen C0268425, MONDO:0008763, OMIM 203800.

Allele frequency attached by ClinVar (database versions not stated): gnomAD 0.00001; gnomAD exomes 0.00001.
gnomAD v4.1: 10 of 1,613,854 alleles (0.00062%); highest among the groups gnomAD compares: African/African-American, 0.0013%; no homozygotes.

Submissions (2):

Labcorp Genetics (formerly Invitae), Labcorp
Classification: Uncertain significance for Alstrom syndrome. Last evaluated: 2025-09-02. Review status: criteria provided, single submitter. Criteria: Invitae Variant Classification Sherloc (09022015). Collection method: clinical testing. Allele origin: germline.
Comment: This sequence change replaces asparagine, which is neutral and polar, with serine, which is neutral and polar, at codon 3575 of the ALMS1 protein (p.Asn3575Ser). The frequency data for this variant in the population databases is considered unreliable, as metrics indicate poor data quality at this position in the gnomAD database. This variant has not been reported in the literature in individuals affected with ALMS1-related conditions. ClinVar contains an entry for this variant (Variation ID: 1927523). Experimental studies and prediction algorithms are not available or were not evaluated, and the functional significance of this variant is currently unknown. In summary, the available evidence is currently insufficient to determine the role of this variant in disease. Therefore, it has been classified as a Variant of Uncertain Significance.

Ambry Genetics
Classification: Uncertain significance for Cardiovascular phenotype. Last evaluated: 2023-07-27. Review status: criteria provided, single submitter. Criteria: Ambry Variant Classification Scheme 2023. Collection method: clinical testing. Allele origin: germline.
Comment: The p.N3575S variant (also known as c.10724A>G), located in coding exon 16 of the ALMS1 gene, results from an A to G substitution at nucleotide position 10724. The asparagine at codon 3575 is replaced by serine, an amino acid with highly similar properties. This amino acid position is poorly conserved in available vertebrate species. In addition, this alteration is predicted to be tolerated by in silico analysis. Since supporting evidence is limited at this time, the clinical significance of this alteration remains unclear.